The following is an entry in ClinVar:

ClinVar aggregate classification (germline): Pathogenic (1 of 4 stars; one submission).

Conditions:
Meckel-Gruber syndrome. Also called: Dysencephalia splachnocystica; DYSENCEPHALIA SPLANCHNOCYSTICA; GRUBER SYNDROME. Identifiers: Orphanet 564, MedGen C0265215, MONDO:0018921.
Joubert syndrome. Also called: Familial aplasia of the vermis; CEREBELLOPARENCHYMAL DISORDER IV; JOUBERT-BOLTSHAUSER SYNDROME. Identifiers: Orphanet 475, MedGen C5979921, MONDO:0018772.

Submission:

Labcorp Genetics (formerly Invitae), Labcorp
Classification: Pathogenic for Joubert syndrome; Meckel-Gruber syndrome. Last evaluated: 2021-06-23. Review status: criteria provided, single submitter. Criteria: Invitae Variant Classification Sherloc (09022015). Collection method: clinical testing. Allele origin: germline.
Comment: This sequence change creates a premature translational stop signal (p.Gln249*) in the RPGRIP1L gene. It is expected to result in an absent or disrupted protein product. This variant is not present in population databases (ExAC no frequency). This variant has not been reported in the literature in individuals with RPGRIP1L-related conditions. Loss-of-function variants in RPGRIP1L are known to be pathogenic (PMID: 17558409). For these reasons, this variant has been classified as Pathogenic.

Literature cited by the submitters: PubMed 17558409.

NM_015272.5(RPGRIP1L):c.745C>T (p.Gln249Ter)

Gene: RPGRIP1L (RPGRIP1 like; minus strand). Cytogenetic location: 16q12.2.
Variant type: single nucleotide variant.
Coding change: c.745C>T on transcript NM_015272.5 (MANE Select); coding-DNA position 745, C replaced by T.
Protein change: p.Gln249Ter; replaces glutamine 249 with a stop codon.
Molecular consequence: nonsense.
Genome position (GRCh38, 1-based): chr16:53,686,464, G>A on the plus strand (C>T on the coding strand, the complement: RPGRIP1L is on the minus strand). VCF-style: chr16-53686464-G-A. GRCh37 (hg19) VCF-style: chr16-53720376-G-A.
Other names: c.745C>T, p.Gln249Ter (NM_001127897.4, NM_001308334.3, NM_001330538.2); short protein forms Q249*.
Identifiers: ClinVar variation 953267 (VCV000953267.8), dbSNP rs1970021137, ClinGen allele CA395923794.